The following is an entry in ClinVar:

NM_015910.7(WDPCP):c.68C>T (p.Pro23Leu)

Gene: WDPCP (WD repeat containing planar cell polarity effector; minus strand). Cytogenetic location: 2p15.
Variant type: single nucleotide variant.
Coding change: c.68C>T on transcript NM_015910.7 (MANE Select); coding-DNA position 68, C replaced by T.
Protein change: p.Pro23Leu; replaces proline 23 with leucine.
Molecular consequence: missense variant. On other transcripts: 5 prime UTR variant (1), non-coding transcript variant (2).
Genome position (GRCh38, 1-based): chr2:63,588,204, G>A on the plus strand (C>T on the coding strand, the complement: WDPCP is on the minus strand). VCF-style: chr2-63588204-G-A. GRCh37 (hg19) VCF-style: chr2-63815338-G-A.
Other names: c.-257C>T (NM_001354044.2); c.68C>T, p.Pro23Leu (NM_001354045.2); short protein forms P23L.
Identifiers: ClinVar variation 1493108 (VCV001493108.8), dbSNP rs141340867, ClinGen allele CA1682650.

ClinVar aggregate classification (germline): Uncertain significance (1 of 4 stars; one submission).

Conditions:
Bardet-Biedl syndrome (BBS). Identifiers: Orphanet 110, MedGen C0752166, MONDO:0015229.

gnomAD v4.1: 7 of 1,568,786 alleles (0.00045%); highest among the groups gnomAD compares: Non-Finnish European, 0.00061%; no homozygotes.

Submission:

Labcorp Genetics (formerly Invitae), Labcorp
Classification: Uncertain significance for Bardet-Biedl syndrome. Last evaluated: 2022-07-11. Review status: criteria provided, single submitter. Criteria: Invitae Variant Classification Sherloc (09022015). Collection method: clinical testing. Allele origin: germline.
Comment: In summary, the available evidence is currently insufficient to determine the role of this variant in disease. Therefore, it has been classified as a Variant of Uncertain Significance. This sequence change replaces proline, which is neutral and non-polar, with leucine, which is neutral and non-polar, at codon 23 of the WDPCP protein (p.Pro23Leu). The frequency data for this variant in the population databases is considered unreliable, as metrics indicate poor data quality at this position in the gnomAD database. This variant has not been reported in the literature in individuals affected with WDPCP-related conditions. ClinVar contains an entry for this variant (Variation ID: 1493108). Algorithms developed to predict the effect of missense changes on protein structure and function (SIFT, PolyPhen-2, Align-GVGD) all suggest that this variant is likely to be tolerated.